The following is an entry in ClinVar:

ClinVar aggregate classification (germline): Uncertain significance (1 of 4 stars; one submission).

Submission:

GeneDx
Classification: Uncertain significance. Last evaluated: 2026-06-18. Review status: criteria provided, single submitter. Criteria: GeneDx Variant Classification Process June 2021. Collection method: clinical testing. Allele origin: germline.
Comment: Not observed at significant frequency in large population cohorts (gnomAD); In silico analysis supports that this missense variant has a deleterious effect on protein structure/function; Has not been previously published as pathogenic or benign to our knowledge

NM_005321.3(H1-4):c.524A>C (p.Lys175Thr)

Gene: H1-4 (H1.4 linker histone, cluster member; plus strand). Cytogenetic location: 6p22.2.
Variant type: single nucleotide variant.
Coding change: c.524A>C on transcript NM_005321.3 (MANE Select); coding-DNA position 524, A replaced by C.
Protein change: p.Lys175Thr; replaces lysine 175 with threonine.
Molecular consequence: missense variant.
Genome position (GRCh38, 1-based): chr6:26,156,914, A>C. VCF-style: chr6-26156914-A-C. GRCh37 (hg19) VCF-style: chr6-26157142-A-C.
Other names: short protein forms K175T.
Identifiers: ClinVar variation 4530833 (VCV004530833.2).